The following is an entry in ClinVar:

NM_003322.6(TULP1):c.823-4A>G

Gene: TULP1 (TUB like protein 1; minus strand). Cytogenetic location: 6p21.31.
Variant type: single nucleotide variant.
Coding change: c.823-4A>G on transcript NM_003322.6 (MANE Select); 4 bases into the intron before coding-DNA position 823, A replaced by G.
Molecular consequence: intron variant.
Genome position (GRCh38, 1-based): chr6:35,506,283, T>C on the plus strand (A>G on the coding strand, the complement: TULP1 is on the minus strand). VCF-style: chr6-35506283-T-C. GRCh37 (hg19) VCF-style: chr6-35474060-T-C.
Other names: c.664-4A>G (NM_001289395.2).
Identifiers: ClinVar variation 767114 (VCV000767114.22), dbSNP rs200264819, ClinGen allele CA3772784.
Genomic context (GRCh38, chr6:35,506,283, plus strand): 5'-TCCCAGCAGGTCCCAGTGCTGAGACACGGGCAGCCCGGCAGGACAACTCACCGCTTTCTG[T>C]GTGCGGAGAGAACAGAGAGGCTGGCTAGAGCAGGGGCCGCATCCCTGGAGGCGGGGAAGC-3'

ClinVar aggregate classification (germline): Conflicting classifications of pathogenicity. Review status: criteria provided, conflicting classifications (1 of 4 stars). 5 submissions from 4 submitters: Uncertain significance (3); Benign (1); Likely benign (1). Last evaluated 2026-01-13.

Conditions:
Leber congenital amaurosis 15 (LCA15). Identifiers: Orphanet 65, MedGen C3151206, MONDO:0013457, OMIM 613843.
Retinitis pigmentosa (RP). Identifiers: Orphanet 791, MedGen C0035334, MeSH D012174, MONDO:0019200, OMIM 268000. Inheritance: Autosomal dominant, autosomal recessive and X linked inheritance.

Allele frequency attached by ClinVar (database versions not stated): 1000 Genomes Project 30x 0.00016; 1000 Genomes Project 0.00020; ESP Exome Variant Server 0.00031; ExAC 0.00032; gnomAD exomes 0.00032 and 0.00033; gnomAD 0.00043 and 0.00046; TOPMed 0.00046.
gnomAD v4.1: 520 of 1,574,742 alleles (0.033%); highest among the groups gnomAD compares: Admixed American, 0.075%; no homozygotes.

Submissions (5):

Labcorp Genetics (formerly Invitae), Labcorp
Classification: Likely benign. Last evaluated: 2026-01-13. Review status: criteria provided, single submitter. Criteria: Invitae Variant Classification Sherloc (09022015). Collection method: clinical testing. Allele origin: germline.

Blueprint Genetics
Classification: Benign. Last evaluated: 2024-11-19. Review status: criteria provided, single submitter. Criteria: ACMG Guidelines, 2015. Collection method: clinical testing. Allele origin: germline.

ARUP Laboratories, Molecular Genetics and Genomics, ARUP Laboratories
Classification: Uncertain significance. Last evaluated: 2018-07-05. Review status: criteria provided, single submitter. Criteria: ARUP Molecular Germline Variant Investigation Process. Collection method: clinical testing. Allele origin: germline.
Comment: The TULP1 c.823-4A>G variant is reported in the heterozygous state in one individual with retinitis pigmentosa (Hagstrom 1998); the authors conclude the variant is unlikely to be pathogenic, but did not provide supporting evidence for this conclusion. The variant is found in the general population with an allele frequency of 0.03% (62/207266 alleles) in the Genome Aggregation Database. This is an intronic variant, the nucleotide at this position is not conserved, and computational algorithms do not predict a significant change to splicing (Alamut v.2.11). Additionally, the exon downstream of this variant is very small and only encodes 2 in-frame amino acids, and the skipping of this exon would only remove those 2 amino acids. There is little information in the medical literature to determine if this exon is normally included or if the 2 amino acids encoded by this exon are critical in protein function, but also it is not known whether such small exons would be more susceptible to alterations in the nearby intron sequence. Considering available information, the clinical significance of this variant cannot be determined with certainty. References: Hagstrom SA et al. Recessive mutations in the gene encoding the tubby-like protein TULP1 in patients with retinitis pigmentosa. Nat Genet. 1998 Feb;18(2):174-6.

Illumina Laboratory Services, Illumina
Classification: Uncertain significance for Retinitis pigmentosa. Last evaluated: 2017-04-27. Review status: criteria provided, single submitter. Criteria: ICSL Variant Classification Criteria 13 December 2019. Collection method: clinical testing. Allele origin: germline.

Illumina Laboratory Services, Illumina
Classification: Uncertain significance for Leber congenital amaurosis 15. Last evaluated: 2017-04-27. Review status: criteria provided, single submitter. Criteria: ICSL Variant Classification Criteria 13 December 2019. Collection method: clinical testing. Allele origin: germline.